The following is an entry in ClinVar:

NM_001243133.2(NLRP3):c.2950G>A (p.Val984Ile)

Gene: NLRP3 (NLR family pyrin domain containing 3; plus strand). Cytogenetic location: 1q44.
Variant type: single nucleotide variant.
Coding change: c.2950G>A on transcript NM_001243133.2 (MANE Select); coding-DNA position 2950, G replaced by A.
Protein change: p.Val984Ile; replaces valine 984 with isoleucine.
Molecular consequence: missense variant.
Genome position (GRCh38, 1-based): chr1:247,444,766, G>A. VCF-style: chr1-247444766-G-A. GRCh37 (hg19) VCF-style: chr1-247608068-G-A.
Other names: c.2950G>A, p.Val984Ile (NM_001079821.3); c.2779G>A, p.Val927Ile (NM_001127461.3, NM_001127462.3); c.2956G>A, p.Val986Ile (NM_004895.5); c.2608G>A, p.Val870Ile (NM_183395.3); short protein forms V870I, V984I, V927I, V986I.
Identifiers: ClinVar variation 2755197 (VCV002755197.3), dbSNP rs2527478978, ClinGen allele CA345565724.

ClinVar aggregate classification (germline): Uncertain significance (1 of 4 stars; one submission).

Conditions:
Cryopyrin associated periodic syndrome (CAPS). Identifiers: Orphanet 208650, MedGen C2316212, MONDO:0016168.

Allele frequency attached by ClinVar (database versions not stated): gnomAD exomes below 0.00001.
gnomAD v4.1: 2 of 1,614,136 alleles (0.00012%); highest among the groups gnomAD compares: Non-Finnish European, 0.00017%; no homozygotes.

Submission:

Labcorp Genetics (formerly Invitae), Labcorp
Classification: Uncertain significance for Cryopyrin associated periodic syndrome. Last evaluated: 2023-08-25. Review status: criteria provided, single submitter. Criteria: Invitae Variant Classification Sherloc (09022015). Collection method: clinical testing. Allele origin: germline.
Comment: This sequence change replaces valine, which is neutral and non-polar, with isoleucine, which is neutral and non-polar, at codon 986 of the NLRP3 protein (p.Val986Ile). This variant is not present in population databases (gnomAD no frequency). This variant has not been reported in the literature in individuals affected with NLRP3-related conditions. Algorithms developed to predict the effect of missense changes on protein structure and function output the following: SIFT: "Not Available"; PolyPhen-2: "Benign"; Align-GVGD: "Not Available". The isoleucine amino acid residue is found in multiple mammalian species, which suggests that this missense change does not adversely affect protein function. In summary, the available evidence is currently insufficient to determine the role of this variant in disease. Therefore, it has been classified as a Variant of Uncertain Significance.